The following is an entry in ClinVar:

NM_001368397.1(FRMPD4):c.1739T>C (p.Val580Ala)

Gene: FRMPD4 (FERM and PDZ domain containing 4; plus strand). Cytogenetic location: Xp22.2.
Variant type: single nucleotide variant.
Coding change: c.1739T>C on transcript NM_001368397.1 (MANE Select); coding-DNA position 1739, T replaced by C.
Protein change: p.Val580Ala; replaces valine 580 with alanine.
Molecular consequence: missense variant.
Genome position (GRCh38, 1-based): chrX:12,716,198, T>C. VCF-style: chrX-12716198-T-C. GRCh37 (hg19) VCF-style: chrX-12734317-T-C.
Other names: c.1850T>C, p.Val617Ala (NM_001368395.3, NM_001368398.3); c.1745T>C, p.Val582Ala (NM_001368396.3); c.1730T>C, p.Val577Ala (NM_001368399.3); c.1619T>C, p.Val540Ala (NM_001368400.3); c.1715T>C, p.Val572Ala (NM_001368401.1, NM_001368402.3); c.1739T>C, p.Val580Ala (NM_014728.3); short protein forms V572A, V580A, V582A, V540A, V577A, V617A.
Identifiers: ClinVar variation 4260020 (VCV004260020.2).

ClinVar aggregate classification (germline): Uncertain significance. Review status: criteria provided, multiple submitters, no conflicts (2 of 4 stars). 2 submissions from 2 submitters: Uncertain significance (2). Last evaluated 2026-04-17.

Conditions:
Inborn genetic diseases. Identifiers: MedGen C0950123, MeSH D030342.

gnomAD v4.1: 13 of 1,206,712 alleles (0.0011%); highest among the groups gnomAD compares: Non-Finnish European, 0.0015%; no homozygotes.

Submissions (2):

GeneDx
Classification: Uncertain significance. Last evaluated: 2026-04-17. Review status: criteria provided, single submitter. Criteria: GeneDx Variant Classification Process June 2021. Collection method: clinical testing. Allele origin: germline.
Comment: In silico analysis suggests that this missense variant does not alter protein structure/function; Has not been previously published as pathogenic or benign to our knowledge

Ambry Genetics
Classification: Uncertain significance for Inborn genetic diseases. Last evaluated: 2025-08-12. Review status: criteria provided, single submitter. Criteria: Ambry Variant Classification Scheme 2023. Collection method: clinical testing. Allele origin: germline.